The following is an entry in ClinVar:

NM_001005361.3(DNM2):c.794A>G (p.Tyr265Cys)

Gene: DNM2 (dynamin 2; plus strand). Cytogenetic location: 19p13.2.
Variant type: single nucleotide variant.
Coding change: c.794A>G on transcript NM_001005361.3 (MANE Select); coding-DNA position 794, A replaced by G.
Protein change: p.Tyr265Cys; replaces tyrosine 265 with cysteine.
Molecular consequence: missense variant.
Genome position (GRCh38, 1-based): chr19:10,783,065, A>G. VCF-style: chr19-10783065-A-G. GRCh37 (hg19) VCF-style: chr19-10893741-A-G.
Other names: c.794A>G, p.Tyr265Cys (NM_001005360.3, NM_001005362.3, NM_001190716.2 and 1 more transcripts); short protein forms Y265C.
Identifiers: ClinVar variation 1304063 (VCV001304063.2), dbSNP rs2145960453, ClinGen allele CA404045315.
Genomic context (GRCh38, chr19:10,783,065, plus strand): 5'-AGAAGGACATCCGTGCAGCACTGGCAGCTGAGAGGAAGTTCTTCCTCTCCCACCCGGCCT[A>G]CCGGCACATGGCCGACCGCATGGGCACGCCACATCTGCAGAAGACGCTGAATCAGGTACT-3'
Protein context (NP_001005361.1, residues 255-275): ERKFFLSHPA[Tyr265Cys]RHMADRMGTP

ClinVar aggregate classification (germline): Uncertain significance (1 of 4 stars; one submission).

Submission:

GeneDx
Classification: Uncertain significance. Last evaluated: 2020-04-14. Review status: criteria provided, single submitter. Criteria: GeneDx Variant Classification Process June 2021. Collection method: clinical testing. Allele origin: germline. Affected: yes.
Comment: Not observed in large population cohorts (Lek et al., 2016); Missense variants in this gene are often considered pathogenic (Stenson et al., 2014); In silico analysis supports that this missense variant has a deleterious effect on protein structure/function; Has not been previously published as pathogenic or benign to our knowledge